The following is an entry in ClinVar:

NM_000492.4(CFTR):c.3949A>T (p.Lys1317Ter)

Gene: CFTR (CF transmembrane conductance regulator; plus strand). Cytogenetic location: 7q31.2.
Variant type: single nucleotide variant.
Coding change: c.3949A>T on transcript NM_000492.4 (MANE Select); coding-DNA position 3949, A replaced by T.
Protein change: p.Lys1317Ter; replaces lysine 1317 with a stop codon.
Molecular consequence: nonsense.
Genome position (GRCh38, 1-based): chr7:117,652,917, A>T. VCF-style: chr7-117652917-A-T. GRCh37 (hg19) VCF-style: chr7-117292971-A-T.
Other names: short protein forms K1317*.
Identifiers: ClinVar variation 983868 (VCV000983868.3), dbSNP rs1793110279, ClinGen allele CA368978635.
Genomic context (GRCh38, chr7:117,652,917, plus strand): 5'-TCTGGAACATTTAGAAAAAACTTGGATCCCTATGAACAGTGGAGTGATCAAGAAATATGG[A>T]AAGTTGCAGATGAGGTAAGGCTGCTAACTGAAATGATTTTGAAAGGGGTAACTCATACCA-3'

ClinVar aggregate classification (germline): Likely pathogenic (1 of 4 stars; one submission).

Conditions:
Cystic fibrosis (CF). Also called: MUCOVISCIDOSIS. Identifiers: Orphanet 586, MedGen C0010674, MONDO:0009061, OMIM 219700. Disease mechanism: loss of function.

Submission:

Myriad Genetics, Inc.
Classification: Likely pathogenic for Cystic fibrosis. Last evaluated: 2019-04-05. Review status: criteria provided, single submitter. Criteria: Myriad Women's Health Autosomal Recessive and X-Linked Classification Criteria (2019). Collection method: clinical testing. Allele origin: unknown.
Comment: NM_000492.3(CFTR):c.3949A>T(K1317*) is expected to be pathogenic in the context of cystic fibrosis. This variant is predicted to lead to an abnormal or absent protein product due to the creation of a premature termination codon in CFTR, a gene where loss-of-function variants are known to be pathogenic. Please note: this variant was assessed in the context of healthy population screening.